The following is an entry in ClinVar:

ClinVar aggregate classification (germline): Conflicting classifications of pathogenicity. Review status: criteria provided, conflicting classifications (1 of 4 stars). 2 submissions from 1 submitter: Uncertain significance (1); Benign (1). Last evaluated 2018-01-12.

Conditions:
GTP cyclohydrolase I deficiency. Identifiers: MedGen C0268467, MONDO:0100184.
Dystonia 5 (DRD). Also called: GTP Cyclohydrolase 1-Deficient Dopa-Responsive Dystonia; Dystonia, DOPA-responsive, with or without hyperphenylalaninemia; DYSTONIA, PROGRESSIVE, WITH DIURNAL VARIATION; DYSTONIA-PARKINSONISM WITH DIURNAL FLUCTUATION; DYT-GCH1. Identifiers: Orphanet 98808, MedGen C1851920, MONDO:0007495, OMIM 128230.

Allele frequency attached by ClinVar (database versions not stated): gnomAD exomes 0.00024; ESP Exome Variant Server 0.00044; 1000 Genomes Project 30x 0.00078; gnomAD 0.00088; 1000 Genomes Project 0.00100; TOPMed 0.00101.
gnomAD v4.1: 275 of 749,840 alleles (0.037%); highest among the groups gnomAD compares: African/African-American, 0.26%; no homozygotes.

Submissions (2):

Illumina Laboratory Services, Illumina
Classification: Uncertain significance for GTP cyclohydrolase I deficiency with hyperphenylalaninemia. Last evaluated: 2018-01-12. Review status: criteria provided, single submitter. Criteria: ICSL Variant Classification Criteria 13 December 2019. Collection method: clinical testing. Allele origin: germline.

Illumina Laboratory Services, Illumina
Classification: Benign for Dystonia 5. Last evaluated: 2018-01-12. Review status: criteria provided, single submitter. Criteria: ICSL Variant Classification Criteria 13 December 2019. Collection method: clinical testing. Allele origin: germline.
Comment: This variant was observed in the ICSL laboratory as part of a predisposition screen in an ostensibly healthy population. It had not been previously curated by ICSL or reported in the Human Gene Mutation Database (HGMD: prior to June 1st, 2018), and was therefore a candidate for classification through an automated scoring system. Utilizing variant allele frequency, disease prevalence and penetrance estimates, and inheritance mode, an automated score was calculated to assess if this variant is too frequent to cause the disease. Based on the score and internal cut-off values, a variant classified as benign is not then subjected to further curation. The score for this variant resulted in a classification of benign for this disease.

NM_000161.3(GCH1):c.*1044G>A

Gene: GCH1 (GTP cyclohydrolase 1; minus strand). Cytogenetic location: 14q22.2.
Variant type: single nucleotide variant.
Coding change: c.*1044G>A on transcript NM_000161.3 (MANE Select); 1044 bases downstream of the stop codon, G replaced by A.
Molecular consequence: 3 prime UTR variant.
Genome position (GRCh38, 1-based): chr14:54,842,973, C>T on the plus strand (G>A on the coding strand, the complement: GCH1 is on the minus strand). VCF-style: chr14-54842973-C-T. GRCh37 (hg19) VCF-style: chr14-55309691-C-T.
Other names: c.*98G>A (NM_001024024.2); c.*94G>A (NM_001024070.2); c.*66G>A (NM_001024071.2).
Identifiers: ClinVar variation 883618 (VCV000883618.4), dbSNP rs143961472, ClinGen allele CA260542101.
Genomic context (GRCh38, chr14:54,842,973, plus strand): 5'-GGGACCAGAAGCTTCCAGTGCATTTTCACAGATCGTTGGTACGATACGCTTTGGTTAAAA[C>T]GTTGGACACAGCTCATAATGTCTTCCACCGTCAGTTCATTCTGTGCTCGTTCAGGTGCGT-3'